The following is an entry in ClinVar:

NM_003743.5(NCOA1):c.4216G>A (p.Asp1406Asn)

Gene: NCOA1 (nuclear receptor coactivator 1; plus strand). Cytogenetic location: 2p23.3.
Variant type: single nucleotide variant.
Coding change: c.4216G>A on transcript NM_003743.5 (MANE Select); coding-DNA position 4216, G replaced by A.
Protein change: p.Asp1406Asn; replaces aspartic acid 1406 with asparagine.
Molecular consequence: missense variant. On other transcripts: 3 prime UTR variant (5).
Genome position (GRCh38, 1-based): chr2:24,768,281, G>A. VCF-style: chr2-24768281-G-A. GRCh37 (hg19) VCF-style: chr2-24991150-G-A.
Other names: c.*73G>A (NM_001362950.1, NM_001362952.1, NM_001362955.1 and 1 more transcripts); c.*70G>A (NM_001362954.1); c.4213G>A, p.Asp1405Asn (NM_147233.2); short protein forms D1405N, D1406N.
Identifiers: ClinVar variation 3033874 (VCV003033874.3), dbSNP rs1045504676, ClinGen allele CA346051553.

ClinVar aggregate classification (germline): Uncertain significance. Review status: criteria provided, single submitter (1 of 4 stars). 2 submissions from 2 submitters: Uncertain significance (1). 1 of the submissions does not count toward it.

Conditions:
NCOA1-related disorder. Also called: NCOA1-related condition.

gnomAD v4.1: 4 of 1,613,542 alleles (0.00025%); highest among the groups gnomAD compares: Middle Eastern, 0.017%; no homozygotes.

Submissions (2):

Breakthrough Genomics
Classification: Uncertain significance. Review status: criteria provided, single submitter. Criteria: ACMG Guidelines, 2015. Collection method: not provided. Allele origin: germline. Inheritance: Unknown mechanism. Affected: yes.

PreventionGenetics, part of Exact Sciences
Classification: Uncertain significance for NCOA1-related condition. Last evaluated: 2023-11-09. Review status: no assertion criteria provided. Collection method: clinical testing. Allele origin: germline. Not counted in ClinVar's aggregate classification.
Comment: The NCOA1 c.4216G>A variant is predicted to result in the amino acid substitution p.Asp1406Asn. To our knowledge, this variant has not been reported in the literature or in a large population database, indicating this variant is rare. At this time, the clinical significance of this variant is uncertain due to the absence of conclusive functional and genetic evidence.